The following is an entry in ClinVar:

ClinVar aggregate classification (germline): Uncertain significance (1 of 4 stars; one submission).

Submission:

GeneDx
Classification: Uncertain significance. Last evaluated: 2022-04-21. Review status: criteria provided, single submitter. Criteria: GeneDx Variant Classification Process June 2021. Collection method: clinical testing. Allele origin: germline. Affected: yes.
Comment: Not observed at significant frequency in large population cohorts (gnomAD); In silico analysis supports a deleterious effect on protein structure/function; Has not been previously published as pathogenic or benign to our knowledge

NM_001130438.3(SPTAN1):c.1170_1175delinsAAGTGT (p.Asp392Val)

Gene: SPTAN1 (spectrin alpha, non-erythrocytic 1; plus strand). Cytogenetic location: 9q34.11.
Variant type: Indel.
Coding change: c.1170_1175delinsAAGTGT on transcript NM_001130438.3 (MANE Select); coding-DNA positions 1170 to 1175, CAGTGA replaced by AAGTGT.
Protein change: p.Asp392Val; replaces aspartic acid 392 with valine.
Molecular consequence: missense variant.
Genome position (GRCh38, 1-based): chr9:128,578,194-128,578,199, CAGTGA replaced by AAGTGT. VCF-style: chr9-128578194-CAGTGA-AAGTGT. GRCh37 (hg19) VCF-style: chr9-131340473-CAGTGA-AAGTGT.
Other names: c.1170_1175delinsAAGTGT, p.Asp392Val (NM_001195532.2, NM_001363759.2, NM_001363765.2 and 5 more transcripts); c.1206_1211delinsAAGTGT, p.Asp404Val (NM_001375312.2, NM_001375318.1); short protein forms D392V, D404V.
Identifiers: ClinVar variation 1712026 (VCV001712026.2), dbSNP rs2541068301, ClinGen allele CA2580079752.